The following is an entry in ClinVar:

ClinVar aggregate classification (germline): Uncertain significance. Review status: criteria provided, multiple submitters, no conflicts (2 of 4 stars). 2 submissions from 2 submitters: Uncertain significance (2). Last evaluated 2022-04-26.

Conditions:
Charcot-Marie-Tooth disease type 4. Also called: Charcot-Marie-Tooth, Type 4; Charcot-Marie-Tooth disease, type IV. Identifiers: Orphanet 64749, MedGen C4082197, MONDO:0018995.

Allele frequency attached by ClinVar (database versions not stated): ExAC 0.00001; gnomAD 0.00001; gnomAD exomes 0.00001; TOPMed 0.00002.
gnomAD v4.1: 9 of 1,612,766 alleles (0.00056%); highest among the groups gnomAD compares: Non-Finnish European, 0.00068%; no homozygotes.

Submissions (2):

Labcorp Genetics (formerly Invitae), Labcorp
Classification: Uncertain significance for Charcot-Marie-Tooth disease type 4. Last evaluated: 2022-04-26. Review status: criteria provided, single submitter. Criteria: Invitae Variant Classification Sherloc (09022015). Collection method: clinical testing. Allele origin: germline.
Comment: In summary, the available evidence is currently insufficient to determine the role of this variant in disease. Therefore, it has been classified as a Variant of Uncertain Significance. Algorithms developed to predict the effect of missense changes on protein structure and function (SIFT, PolyPhen-2, Align-GVGD) all suggest that this variant is likely to be disruptive. This sequence change replaces proline, which is neutral and non-polar, with leucine, which is neutral and non-polar, at codon 642 of the PRX protein (p.Pro642Leu). This variant is present in population databases (rs751935470, gnomAD 0.002%). This variant has not been reported in the literature in individuals affected with PRX-related conditions. ClinVar contains an entry for this variant (Variation ID: 1256344).

Athena Diagnostics
Classification: Uncertain significance. Last evaluated: 2020-11-12. Review status: criteria provided, single submitter. Criteria: Athena Diagnostics criteria. Collection method: clinical testing. Allele origin: unknown.

NM_181882.3(PRX):c.1925C>T (p.Pro642Leu)

Gene: PRX (periaxin; minus strand). Cytogenetic location: 19q13.2.
Variant type: single nucleotide variant.
Coding change: c.1925C>T on transcript NM_181882.3 (MANE Select); coding-DNA position 1925, C replaced by T.
Protein change: p.Pro642Leu; replaces proline 642 with leucine.
Molecular consequence: missense variant. On other transcripts: 3 prime UTR variant (1).
Genome position (GRCh38, 1-based): chr19:40,396,427, G>A on the plus strand (C>T on the coding strand, the complement: PRX is on the minus strand). VCF-style: chr19-40396427-G-A. GRCh37 (hg19) VCF-style: chr19-40902334-G-A.
Other names: c.*2130C>T (NM_020956.2); short protein forms P642L.
Identifiers: ClinVar variation 1256344 (VCV001256344.9), dbSNP rs751935470, ClinGen allele CA9444170.